The following is an entry in ClinVar:

NM_000553.6(WRN):c.3658A>G (p.Lys1220Glu)

Gene: WRN (WRN RecQ like helicase; plus strand). Cytogenetic location: 8p12.
Variant type: single nucleotide variant.
Coding change: c.3658A>G on transcript NM_000553.6 (MANE Select); coding-DNA position 3658, A replaced by G.
Protein change: p.Lys1220Glu; replaces lysine 1220 with glutamic acid.
Molecular consequence: missense variant.
Genome position (GRCh38, 1-based): chr8:31,150,426, A>G. VCF-style: chr8-31150426-A-G. GRCh37 (hg19) VCF-style: chr8-31007942-A-G.
Other names: short protein forms K1220E.
Identifiers: ClinVar variation 1485417 (VCV001485417.5), dbSNP rs1202899288, ClinGen allele CA370927995.

ClinVar aggregate classification (germline): Uncertain significance (1 of 4 stars; one submission).

Conditions:
Werner syndrome (WRN). Identifiers: Orphanet 902, MedGen C0043119, MONDO:0010196, OMIM 277700.

Allele frequency attached by ClinVar (database versions not stated): gnomAD exomes below 0.00001; gnomAD 0.00001; TOPMed 0.00001.
gnomAD v4.1: 10 of 1,614,044 alleles (0.00062%); highest among the groups gnomAD compares: African/African-American, 0.0013%; no homozygotes.

Submission:

Labcorp Genetics (formerly Invitae), Labcorp
Classification: Uncertain significance for Werner syndrome. Last evaluated: 2022-10-12. Review status: criteria provided, single submitter. Criteria: Invitae Variant Classification Sherloc (09022015). Collection method: clinical testing. Allele origin: germline.
Comment: This sequence change replaces lysine, which is basic and polar, with glutamic acid, which is acidic and polar, at codon 1220 of the WRN protein (p.Lys1220Glu). This variant is present in population databases (no rsID available, gnomAD 0.004%). This variant has not been reported in the literature in individuals affected with WRN-related conditions. ClinVar contains an entry for this variant (Variation ID: 1485417). Algorithms developed to predict the effect of missense changes on protein structure and function are either unavailable or do not agree on the potential impact of this missense change (SIFT: "Not Available"; PolyPhen-2: "Benign"; Align-GVGD: "Not Available"). In summary, the available evidence is currently insufficient to determine the role of this variant in disease. Therefore, it has been classified as a Variant of Uncertain Significance.